The following is an entry in ClinVar:

NM_000359.3(TGM1):c.1187G>T (p.Arg396Leu)

Gene: TGM1 (transglutaminase 1; minus strand). Cytogenetic location: 14q12.
Variant type: single nucleotide variant.
Coding change: c.1187G>T on transcript NM_000359.3 (MANE Select); coding-DNA position 1187, G replaced by T.
Protein change: p.Arg396Leu; replaces arginine 396 with leucine.
Molecular consequence: missense variant.
Genome position (GRCh38, 1-based): chr14:24,258,646, C>A on the plus strand (G>T on the coding strand, the complement: TGM1 is on the minus strand). VCF-style: chr14-24258646-C-A. GRCh37 (hg19) VCF-style: chr14-24727852-C-A.
Other names: R395L; short protein forms R396L.
Identifiers: ClinVar variation 12487 (VCV000012487.19), dbSNP rs121918721, ClinGen allele CA256465.

ClinVar aggregate classification (germline): Pathogenic/Likely pathogenic. Review status: criteria provided, multiple submitters, no conflicts (2 of 4 stars). 8 submissions from 8 submitters: Pathogenic (4); Likely pathogenic (2). 2 of the submissions do not count toward it. Last evaluated 2024-07-17.

Conditions:
TGM1-related disorder. Also called: TGM1-related condition.
Autosomal recessive congenital ichthyosis 1 (LI1). Also called: ICHTHYOSIS CONGENITA; ICHTHYOSIS CONGENITA II; LAMELLAR EXFOLIATION OF NEWBORN; ICHTHYOSIS, CONGENITAL, AUTOSOMAL RECESSIVE 1, WITH BATHING SUIT DISTRIBUTION; ICHTHYOSIS, CONGENITAL, AUTOSOMAL RECESSIVE 1, WITH OR WITHOUT BATHING SUIT DISTRIBUTION; COLLODION FETUS. Identifiers: MedGen C4551630, MONDO:0009441, OMIM 242300.

Allele frequency attached by ClinVar (database versions not stated): 1000 Genomes Project 30x 0.00047; 1000 Genomes Project 0.00060.
gnomAD v4.1: 52 of 1,614,176 alleles (0.0032%); highest among the groups gnomAD compares: Non-Finnish European, 0.0016%; no homozygotes.

Submissions (8):

Natera, Inc.
Classification: Pathogenic for Autosomal recessive congenital ichthyosis type 1. Last evaluated: 2024-07-17. Review status: criteria provided, single submitter. Criteria: Natera Variant Classification Schema (03/2026). Collection method: clinical testing. Allele origin: germline.
Comment: The c.1187G>T variant in TGM1 is a missense variant predicted to cause substitution of arginine to leucine at amino acid 396. This variant is rare in the general population with a frequency below the threshold expected for the associated phenotype(s). This variant has been observed in one or more individuals affected with the associated recessive disease, as either homozygous or compound heterozygous with a second variant (PMID: 27025581). Additionally, this variant has been observed to segregate in affected family members (PMID: 27025581). A different variant at the same position has been determined to be Pathogenic or Likely Pathogenic. Computational prediction algorithms indicate this variant is likely to affect gene or protein function. Given the available evidence, this variant is classified as Pathogenic.

Labcorp Genetics (formerly Invitae), Labcorp
Classification: Pathogenic. Last evaluated: 2023-03-29. Review status: criteria provided, single submitter. Criteria: Invitae Variant Classification Sherloc (09022015). Collection method: clinical testing. Allele origin: germline.
Comment: This missense change has been observed in individuals with congenital ichthyosis (PMID: 9326318, 25766764, 27025581). For these reasons, this variant has been classified as Pathogenic. This variant disrupts the p.Arg396 amino acid residue in TGM1. Other variant(s) that disrupt this residue have been determined to be pathogenic (PMID: 19500103, 23689228, 26762237, 27025581). This suggests that this residue is clinically significant, and that variants that disrupt this residue are likely to be disease-causing. Advanced modeling of protein sequence and biophysical properties (such as structural, functional, and spatial information, amino acid conservation, physicochemical variation, residue mobility, and thermodynamic stability) performed at Invitae indicates that this missense variant is expected to disrupt TGM1 protein function. ClinVar contains an entry for this variant (Variation ID: 12487). This variant is also known as Arg395Leu. This variant is present in population databases (rs121918721, gnomAD 0.07%). This sequence change replaces arginine, which is basic and polar, with leucine, which is neutral and non-polar, at codon 396 of the TGM1 protein (p.Arg396Leu).

Clinical Genetics Laboratory, Skane University Hospital Lund
Classification: Pathogenic. Last evaluated: 2022-07-13. Review status: criteria provided, single submitter. Criteria: ACMG Guidelines, 2015. Collection method: clinical testing. Allele origin: germline. Affected: yes.

Blueprint Genetics
Classification: Pathogenic for TGM1-related disorders. Last evaluated: 2022-02-15. Review status: criteria provided, single submitter. Criteria: ACMG Guidelines, 2015. Collection method: clinical testing. Allele origin: germline. Affected: yes. Observed: 5 variant alleles.

GeneDx
Classification: Likely pathogenic. Last evaluated: 2016-05-26. Review status: criteria provided, single submitter. Criteria: GeneDx Variant Classification (06012015). Collection method: clinical testing. Allele origin: germline. Affected: yes.
Comment: The R396L likely pathogenic variant in the TGM1 gene has been report previously as R395L in Finnish patients diagnosed with lamellar ichthyosis and nonbullous congenital ichthyosiformis erythroderma (Laiho et al., 1997). It was not observed in approximately 6,500 individuals of European and African American ancestry in the NHLBI Exome Sequencing Project, indicating it is not a common benign variant in these populations. However, per the 1000 Genomes Consortium, the R396L variant was observed with a frequency of 1.5%, 3/198 alleles, in individuals of Finnish ancestry (McVean et al., 2014). Missense variants at the same (R396S/H) and in nearby residues (G392D, F401V) have been reported in the Human Gene Mutation Database in association with lamellar ichthyosis/ autosomal recessive congenital ichthyosis (Stenson et al., 2012), supporting the functional importance of this region of the protein. Therefore, this variant is likely pathogenic; however, the possibility that it is benign cannot be excluded.

Genome-Nilou Lab
Classification: Likely pathogenic for Autosomal recessive congenital ichthyosis 1. Review status: criteria provided, single submitter. Criteria: ACMG Guidelines, 2015. Collection method: clinical testing. Allele origin: germline.

Counsyl
Classification: Likely pathogenic for Autosomal recessive congenital ichthyosis 1. Last evaluated: 2017-07-25. Review status: no assertion criteria provided. Collection method: clinical testing. Allele origin: unknown. Not counted in ClinVar's aggregate classification.

OMIM
Classification: Pathogenic for ICHTHYOSIS, CONGENITAL, AUTOSOMAL RECESSIVE 1. Last evaluated: 1997-09-01. Review status: no assertion criteria provided. Collection method: literature only. Allele origin: germline. Not counted in ClinVar's aggregate classification.

Literature cited by the submitters: PubMed 27025581 (cited by 3 submitters); PubMed 9326318 (cited by 3 submitters); PubMed 25766764 (cited by Labcorp Genetics (formerly Invitae), Labcorp and Counsyl); PubMed 19500103 (cited by Labcorp Genetics (formerly Invitae), Labcorp and Counsyl); PubMed 23689228 (cited by Labcorp Genetics (formerly Invitae), Labcorp); PubMed 26762237 (cited by Labcorp Genetics (formerly Invitae), Labcorp); PubMed 19156839 (cited by Counsyl).